The following is an entry in ClinVar:

NM_000264.5(PTCH1):c.2017C>G (p.His673Asp)

Genes: PTCH1 (patched 1; minus strand), LOC100507346 (uncharacterized LOC100507346; plus strand). Cytogenetic location: 9q22.32.
Variant type: single nucleotide variant.
Coding change: c.2017C>G on transcript NM_000264.5 (MANE Select); coding-DNA position 2017, C replaced by G.
Protein change: p.His673Asp; replaces histidine 673 with aspartic acid.
Molecular consequence: missense variant. On other transcripts: non-coding transcript variant (2).
Genome position (GRCh38, 1-based): chr9:95,468,984, G>C on the plus strand (C>G on the coding strand, the complement: PTCH1 is on the minus strand). VCF-style: chr9-95468984-G-C. GRCh37 (hg19) VCF-style: chr9-98231266-G-C.
Other names: c.1819C>G, p.His607Asp (NM_001083602.3); c.2014C>G, p.His672Asp (NM_001083603.3); c.1564C>G, p.His522Asp (NM_001083604.3, NM_001083605.3, NM_001083606.3 and 1 more transcripts); c.1861C>G, p.His621Asp (NM_001354918.2); short protein forms H621D, H673D, H522D, H672D, H607D.
Identifiers: ClinVar variation 2789813 (VCV002789813.4), dbSNP rs1184226425, ClinGen allele CA374115833.

ClinVar aggregate classification (germline): Conflicting classifications of pathogenicity. Review status: criteria provided, conflicting classifications (1 of 4 stars). 2 submissions from 2 submitters: Uncertain significance (1); Likely benign (1). Last evaluated 2025-04-18.

Conditions:
Hereditary cancer-predisposing syndrome. Also called: Hereditary neoplastic syndrome; Neoplastic Syndromes, Hereditary; Tumor predisposition; Hereditary Cancer Syndrome. Identifiers: Orphanet 140162, MedGen C0027672, MeSH D009386, MONDO:0015356.
Gorlin syndrome. Also called: Basal cell nevus syndrome; Nevoid Basal Cell Carcinoma Syndrome. Identifiers: Orphanet 377, MedGen C0004779, MONDO:0007187.

gnomAD v4.1: 1 of 1,614,046 alleles (0.000062%); highest among the groups gnomAD compares: Admixed American, 0.0017%; no homozygotes.

Submissions (2):

Ambry Genetics
Classification: Uncertain significance for Hereditary cancer-predisposing syndrome. Last evaluated: 2025-04-18. Review status: criteria provided, single submitter. Criteria: Ambry Variant Classification Scheme 2023. Collection method: clinical testing. Allele origin: germline.
Comment: The p.H673D variant (also known as c.2017C>G), located in coding exon 14 of the PTCH1 gene, results from a C to G substitution at nucleotide position 2017. The histidine at codon 673 is replaced by aspartic acid, an amino acid with similar properties. This amino acid position is conserved. In addition, the in silico prediction for this alteration is inconclusive. Based on the available evidence, the clinical significance of this variant remains unclear.

Labcorp Genetics (formerly Invitae), Labcorp
Classification: Likely benign for Gorlin syndrome. Last evaluated: 2022-11-23. Review status: criteria provided, single submitter. Criteria: Invitae Variant Classification Sherloc (09022015). Collection method: clinical testing. Allele origin: germline.